The following is an entry in ClinVar:

ClinVar aggregate classification (germline): Benign/Likely benign. Review status: criteria provided, multiple submitters, no conflicts (2 of 4 stars). 2 submissions from 2 submitters: Benign (1); Likely benign (1). Last evaluated 2025-01-09.

Conditions:
Hereditary cancer-predisposing syndrome. Also called: Tumor predisposition; Neoplastic Syndromes, Hereditary; Hereditary neoplastic syndrome; Hereditary Cancer Syndrome. Identifiers: Orphanet 140162, MedGen C0027672, MeSH D009386, MONDO:0015356.
Lynch syndrome 5 (LYNCH5). Also called: Hereditary non-polyposis colorectal cancer, type 5; Colorectal cancer, hereditary nonpolyposis, type 5. Identifiers: Orphanet 144, MedGen C1833477, MONDO:0013710, OMIM 614350. Disease mechanism: loss of function.

Allele frequency attached by ClinVar (database versions not stated): gnomAD exomes below 0.00001; TOPMed 0.00001.
gnomAD v4.1: 2 of 1,601,374 alleles (0.00012%); highest among the groups gnomAD compares: Non-Finnish European, 0.000086%; no homozygotes.

Submissions (2):

Myriad Genetics, Inc.
Classification: Benign for Lynch syndrome 5. Last evaluated: 2025-01-09. Review status: criteria provided, single submitter. Criteria: Myriad Autosomal Dominant, Autosomal Recessive and X-Linked Classification Criteria (2023). Collection method: clinical testing. Allele origin: unknown.
Comment: This variant is considered benign. This variant occurs in the non-coding 3' untranslated region of the gene, and is not expected to impact protein function.

Color Diagnostics, LLC DBA Color Health
Classification: Likely benign for Hereditary cancer-predisposing syndrome. Last evaluated: 2017-08-04. Review status: criteria provided, single submitter. Criteria: ACMG Guidelines, 2015. Collection method: clinical testing. Allele origin: germline.

NM_000179.3(MSH6):c.*8A>G

Gene: MSH6 (mutS homolog 6; plus strand). Cytogenetic location: 2p16.3.
Variant type: single nucleotide variant.
Coding change: c.*8A>G on transcript NM_000179.3 (MANE Select); 8 bases downstream of the stop codon, A replaced by G.
Molecular consequence: 3 prime UTR variant.
Genome position (GRCh38, 1-based): chr2:47,806,868, A>G. VCF-style: chr2-47806868-A-G. GRCh37 (hg19) VCF-style: chr2-48034007-A-G.
Other names: c.*8A>G (NM_001281492.2, NM_001281493.2, NM_001281494.2).
Identifiers: ClinVar variation 630635 (VCV000630635.3), dbSNP rs1558396180, ClinGen allele CA913188085.